The following is an entry in ClinVar:

ClinVar aggregate classification (germline): Uncertain significance (1 of 4 stars; one submission).

Conditions:
Hereditary cancer-predisposing syndrome. Also called: Tumor predisposition; Hereditary neoplastic syndrome; Neoplastic Syndromes, Hereditary; Hereditary Cancer Syndrome. Identifiers: Orphanet 140162, MedGen C0027672, MeSH D009386, MONDO:0015356.

Submission:

Ambry Genetics
Classification: Uncertain significance for Hereditary cancer-predisposing syndrome. Last evaluated: 2025-04-12. Review status: criteria provided, single submitter. Criteria: Ambry Variant Classification Scheme 2023. Collection method: clinical testing. Allele origin: germline.
Comment: The p.V812L variant (also known as c.2434G>T) is located in coding exon 17 of the CTNNA1 gene. The valine at codon 812 is replaced by leucine, an amino acid with highly similar properties. This change occurs in the first base pair of coding exon 17. This amino acid position is conserved. In addition, this alteration is predicted to be tolerated by in silico analysis. Based on the available evidence, the clinical significance of this variant remains unclear.

NM_001903.5(CTNNA1):c.2434G>T (p.Val812Leu)

Gene: CTNNA1 (catenin alpha 1; plus strand). Cytogenetic location: 5q31.2.
Variant type: single nucleotide variant.
Coding change: c.2434G>T on transcript NM_001903.5 (MANE Select); coding-DNA position 2434, G replaced by T.
Protein change: p.Val812Leu; replaces valine 812 with leucine.
Molecular consequence: missense variant. On other transcripts: synonymous variant (5), intron variant (1).
Genome position (GRCh38, 1-based): chr5:138,933,802, G>T. VCF-style: chr5-138933802-G-T. GRCh37 (hg19) VCF-style: chr5-138269491-G-T.
Other names: c.1324G>T, p.Val442Leu (NM_001323998.1, NM_001323999.1, NM_001324000.1 and 12 more transcripts); c.1189G>T, p.Val397Leu (NM_001324001.1); c.1395G>T, p.Gly465= (NM_001324002.1, NM_001324003.1, NM_001324004.1 and 1 more transcripts); c.985G>T, p.Val329Leu (NM_001324006.1, NM_001324007.1, NM_001324008.1 and 2 more transcripts); c.2505G>T, p.Gly835= (NM_001290307.3); c.2125G>T, p.Val709Leu (NM_001290309.3); c.2065G>T, p.Val689Leu (NM_001290310.3); c.1231G>T, p.Val411Leu (NM_001324011.1); and 4 more; short protein forms V442L, V812L, V397L, V689L, V361L, V781L, V329L, V411L.
Identifiers: ClinVar variation 4007979 (VCV004007979.1).